The following is an entry in ClinVar:

ClinVar aggregate classification (germline): Uncertain significance (1 of 4 stars; one submission).

Conditions:
Autosomal recessive limb-girdle muscular dystrophy type 2L (LGMDR12). Also called: MUSCULAR DYSTROPHY, LIMB-GIRDLE, AUTOSOMAL RECESSIVE 12; Limb-Girdle Muscular Dystrophy R12 Anoctamin-5-Related (LGMD-R12); Limb-girdle muscular dystrophy, type 2L. Identifiers: Orphanet 206549, MedGen C1969785, MONDO:0012652, OMIM 611307.
Gnathodiaphyseal dysplasia (GDD). Also called: GNATHODIAPHYSEAL SCLEROSIS; OSTEOGENESIS IMPERFECTA WITH UNUSUAL SKELETAL LESIONS. Identifiers: Orphanet 53697, MedGen C1833736, MONDO:0008151, OMIM 166260.

gnomAD v4.1: 9 of 1,612,666 alleles (0.00056%); highest among the groups gnomAD compares: Non-Finnish European, 0.00076%; no homozygotes.

Submission:

Labcorp Genetics (formerly Invitae), Labcorp
Classification: Uncertain significance for Autosomal recessive limb-girdle muscular dystrophy type 2L; Gnathodiaphyseal dysplasia. Last evaluated: 2024-08-05. Review status: criteria provided, single submitter. Criteria: Invitae Variant Classification Sherloc (09022015). Collection method: clinical testing. Allele origin: germline.
Comment: This sequence change replaces alanine, which is neutral and non-polar, with glutamic acid, which is acidic and polar, at codon 11 of the ANO5 protein (p.Ala11Glu). The frequency data for this variant in the population databases is considered unreliable, as metrics indicate poor data quality at this position in the gnomAD database. This variant has not been reported in the literature in individuals affected with ANO5-related conditions. Advanced modeling of protein sequence and biophysical properties (such as structural, functional, and spatial information, amino acid conservation, physicochemical variation, residue mobility, and thermodynamic stability) performed at Invitae indicates that this missense variant is not expected to disrupt ANO5 protein function with a negative predictive value of 95%. In summary, the available evidence is currently insufficient to determine the role of this variant in disease. Therefore, it has been classified as a Variant of Uncertain Significance.

NM_213599.3(ANO5):c.32C>A (p.Ala11Glu)

Gene: ANO5 (anoctamin 5; plus strand). Cytogenetic location: 11p14.3.
Variant type: single nucleotide variant.
Coding change: c.32C>A on transcript NM_213599.3 (MANE Select); coding-DNA position 32, C replaced by A.
Protein change: p.Ala11Glu; replaces alanine 11 with glutamic acid.
Molecular consequence: missense variant.
Genome position (GRCh38, 1-based): chr11:22,193,524, C>A. VCF-style: chr11-22193524-C-A. GRCh37 (hg19) VCF-style: chr11-22215070-C-A.
Other names: c.32C>A, p.Ala11Glu (NM_001142649.2, NM_001410963.1, NM_001410964.1); short protein forms A11E.
Identifiers: ClinVar variation 3763901 (VCV003763901.2).